The following is an entry in ClinVar:

ClinVar aggregate classification (germline): Benign (0 of 4 stars; one submission).

Conditions:
CAMK2G-related disorder. Also called: CAMK2G-related condition.

Allele frequency attached by ClinVar (database versions not stated): gnomAD exomes 0.00101; gnomAD 0.00169; TOPMed 0.00186; ExAC 0.00307; 1000 Genomes Project 30x 0.00781; 1000 Genomes Project 0.00859.
gnomAD v4.1: 1,823 of 1,610,464 alleles (0.11%); highest among the groups gnomAD compares: East Asian, 3.3%; 29 homozygotes.

Submission:

PreventionGenetics, part of Exact Sciences
Classification: Benign for CAMK2G-related condition. Last evaluated: 2019-02-22. Review status: no assertion criteria provided. Collection method: clinical testing. Allele origin: germline.
Comment: This variant is classified as benign based on ACMG/AMP sequence variant interpretation guidelines (Richards et al. 2015 PMID: 25741868, with internal and published modifications).

NM_001367534.1(CAMK2G):c.1458C>T (p.Gly486=)

Gene: CAMK2G (calcium/calmodulin dependent protein kinase II gamma; minus strand). Cytogenetic location: 10q22.2.
Variant type: single nucleotide variant.
Coding change: c.1458C>T on transcript NM_001367534.1 (MANE Select); coding-DNA position 1458, C replaced by T.
Protein change: p.Gly486=; no amino-acid change (glycine 486 retained).
Molecular consequence: synonymous variant. On other transcripts: 3 prime UTR variant (2), non-coding transcript variant (8).
Genome position (GRCh38, 1-based): chr10:73,817,099, G>A on the plus strand (C>T on the coding strand, the complement: CAMK2G is on the minus strand). VCF-style: chr10-73817099-G-A. GRCh37 (hg19) VCF-style: chr10-75576857-G-A.
Other names: c.1311C>T, p.Gly437= (NM_001204492.2, NM_001367521.1); c.1179C>T, p.Gly393= (NM_001222.4, NM_001367541.1); c.1389C>T, p.Gly463= (NM_001320898.2, NM_001367546.1, NM_001367547.1); c.1338C>T, p.Gly446= (NM_001367514.1, NM_001367525.1); c.1248C>T, p.Gly416= (NM_001367516.1, NM_001367517.1, NM_001367529.1 and 1 more transcripts); c.1326C>T, p.Gly442= (NM_001367518.1, NM_001367522.1); c.1212C>T, p.Gly404= (NM_001367519.1, NM_001367530.1); c.1320C>T, p.Gly440= (NM_001367520.1, NM_001367533.1); and 18 more.
Identifiers: ClinVar variation 3053058 (VCV003053058.2), dbSNP rs56230636, ClinGen allele CA5561693.